The following is an entry in ClinVar:

ClinVar aggregate classification (germline): Uncertain significance (1 of 4 stars; one submission).

Conditions:
Disseminated atypical mycobacterial infection. Identifiers: MedGen C0694566.

Allele frequency attached by ClinVar (database versions not stated): gnomAD exomes below 0.00001; gnomAD 0.00001; ExAC 0.00001.
gnomAD v4.1: 3 of 1,614,080 alleles (0.00019%); highest among the groups gnomAD compares: Admixed American, 0.0017%; no homozygotes.

Submission:

Labcorp Genetics (formerly Invitae), Labcorp
Classification: Uncertain significance for Disseminated atypical mycobacterial infection. Last evaluated: 2025-03-17. Review status: criteria provided, single submitter. Criteria: Invitae Variant Classification Sherloc (09022015). Collection method: clinical testing. Allele origin: germline.
Comment: This sequence change replaces isoleucine, which is neutral and non-polar, with valine, which is neutral and non-polar, at codon 352 of the IFNGR1 protein (p.Ile352Val). This variant is not present in population databases (gnomAD no frequency). This variant has not been reported in the literature in individuals affected with IFNGR1-related conditions. ClinVar contains an entry for this variant (Variation ID: 2719861). Invitae Evidence Modeling of protein sequence and biophysical properties (such as structural, functional, and spatial information, amino acid conservation, physicochemical variation, residue mobility, and thermodynamic stability) indicates that this missense variant is not expected to disrupt IFNGR1 protein function with a negative predictive value of 80%. In summary, the available evidence is currently insufficient to determine the role of this variant in disease. Therefore, it has been classified as a Variant of Uncertain Significance.

NM_000416.3(IFNGR1):c.1054A>G (p.Ile352Val)

Gene: IFNGR1 (interferon gamma receptor 1; minus strand). Cytogenetic location: 6q23.3.
Variant type: single nucleotide variant.
Coding change: c.1054A>G on transcript NM_000416.3 (MANE Select); coding-DNA position 1054, A replaced by G.
Protein change: p.Ile352Val; replaces isoleucine 352 with valine.
Molecular consequence: missense variant.
Genome position (GRCh38, 1-based): chr6:137,198,447, T>C on the plus strand (A>G on the coding strand, the complement: IFNGR1 is on the minus strand). VCF-style: chr6-137198447-T-C. GRCh37 (hg19) VCF-style: chr6-137519584-T-C.
Other names: c.1024A>G, p.Ile342Val (NM_001363526.1); c.931A>G, p.Ile311Val (NM_001363527.1); short protein forms I311V, I342V, I352V.
Identifiers: ClinVar variation 2719861 (VCV002719861.3), dbSNP rs767476170, ClinGen allele CA4018819.